The following is an entry in ClinVar:

ClinVar aggregate classification (germline): Pathogenic. Review status: criteria provided, multiple submitters, no conflicts (2 of 4 stars). 2 submissions from 2 submitters: Pathogenic (2). Last evaluated 2022-11-29.

Allele frequency attached by ClinVar (database versions not stated): gnomAD exomes below 0.00001.
gnomAD v4.1: 1 of 1,614,146 alleles (0.000062%); highest among the groups gnomAD compares: Non-Finnish European, 0.000085%; no homozygotes.

Submissions (2):

Labcorp Genetics (formerly Invitae), Labcorp
Classification: Pathogenic. Last evaluated: 2022-11-29. Review status: criteria provided, single submitter. Criteria: Invitae Variant Classification Sherloc (09022015). Collection method: clinical testing. Allele origin: germline.
Comment: For these reasons, this variant has been classified as Pathogenic. This variant disrupts the C-terminus of the RP1 protein. Many variants that disrupt this region have been reported in individuals with either autosomal dominant or autosomal recessive retinitis pigmentosa (PMID: 11527933, 19933189, 29425069, 30027431, 33681214). Therefore, variants that disrupt this region are expected to be disease-causing. ClinVar contains an entry for this variant (Variation ID: 95353). This premature translational stop signal has been observed in individual(s) with clinical features of autosomal recessive retinitis pigmentosa (Invitae). This variant is not present in population databases (gnomAD no frequency). This sequence change creates a premature translational stop signal (p.Tyr1673*) in the RP1 gene. While this is not anticipated to result in nonsense mediated decay, it is expected to disrupt the last 484 amino acid(s) of the RP1 protein.

Eurofins Ntd Llc (ga)
Classification: Pathogenic. Last evaluated: 2013-09-13. Review status: criteria provided, single submitter. Criteria: EGL Classification Definitions 2015. Collection method: clinical testing. Allele origin: germline. Observed: 1 variant allele, 1 heterozygote.

Literature cited by the submitters: PubMed 11527933 (cited by Labcorp Genetics (formerly Invitae), Labcorp); PubMed 19933189 (cited by Labcorp Genetics (formerly Invitae), Labcorp); PubMed 29425069 (cited by Labcorp Genetics (formerly Invitae), Labcorp); PubMed 30027431 (cited by Labcorp Genetics (formerly Invitae), Labcorp); PubMed 33681214 (cited by Labcorp Genetics (formerly Invitae), Labcorp).

NM_006269.2(RP1):c.5019T>G (p.Tyr1673Ter)

Genes: RP1 (RP1 axonemal microtubule associated; plus strand), LOC126860392 (CDK7 strongly-dependent group 2 enhancer GRCh37_chr8:55541319-55542518; plus strand). Cytogenetic location: 8q12.1.
Variant type: single nucleotide variant.
Coding change: c.5019T>G on transcript NM_006269.2 (MANE Select); coding-DNA position 5019, T replaced by G.
Protein change: p.Tyr1673Ter; replaces tyrosine 1673 with a stop codon.
Molecular consequence: nonsense.
Genome position (GRCh38, 1-based): chr8:54,628,901, T>G. VCF-style: chr8-54628901-T-G. GRCh37 (hg19) VCF-style: chr8-55541461-T-G.
Other names: short protein forms Y1673*.
Identifiers: ClinVar variation 95353 (VCV000095353.16), dbSNP rs398124220, ClinGen allele CA267205.